The following is an entry in ClinVar:

ClinVar aggregate classification (germline): Benign (1 of 4 stars; one submission).

Allele frequency attached by ClinVar (database versions not stated): TOPMed 0.00019; gnomAD 0.00023; 1000 Genomes Project 30x 0.00031; 1000 Genomes Project 0.00040; gnomAD exomes 0.00043.
gnomAD v4.1: 138 of 398,636 alleles (0.035%); highest among the groups gnomAD compares: East Asian, 0.35%; no homozygotes.

Submission:

CeGaT Center for Human Genetics Tuebingen
Classification: Benign. Last evaluated: 2026-01-01. Review status: criteria provided, single submitter. Criteria: CeGaT Center For Human Genetics Tuebingen Variant Classification Criteria Version 2. Collection method: clinical testing. Allele origin: germline. Affected: yes. Observed: 5 variant alleles.
Comment: KCNQ1OT1: BS1, BS2

NM_000218.3(KCNQ1):c.1394-3710T>C

Genes: KCNQ1 (potassium voltage-gated channel subfamily Q member 1; plus strand), KCNQ1OT1 (KCNQ1 opposite strand/antisense transcript 1; minus strand). Cytogenetic location: 11p15.5.
Variant type: single nucleotide variant.
Coding change: c.1394-3710T>C on transcript NM_000218.3 (MANE Select); 3710 bases into the intron before coding-DNA position 1394, T replaced by C.
Molecular consequence: intron variant.
Genome position (GRCh38, 1-based): chr11:2,658,251, T>C. VCF-style: chr11-2658251-T-C. GRCh37 (hg19) VCF-style: chr11-2679481-T-C.
Other names: c.1124-3710T>C (NM_001406837.1); c.1298-3710T>C (NM_001406836.1); c.854-3710T>C (NM_001406838.1); c.1013-3710T>C (NM_181798.2).
Identifiers: ClinVar variation 1711296 (VCV001711296.30), dbSNP rs184655467, ClinGen allele CA216167957.
Genomic context (GRCh38, chr11:2,658,251, plus strand): 5'-TCACTAACTAATTTCAGCATTCATTCATGGATCGTTTTCCTGCAGCAAATATTACCGTGA[T>C]GTACTTCTATTTTCCTCATTCCTTCTACATTTTTTATTTGGAATTCCTTTATAAGGAAGA-3'